The following is an entry in ClinVar:

NM_001330078.2(NRXN1):c.780C>G (p.Asn260Lys)

Gene: NRXN1 (neurexin 1; minus strand). Cytogenetic location: 2p16.3.
Variant type: single nucleotide variant.
Coding change: c.780C>G on transcript NM_001330078.2 (MANE Select); coding-DNA position 780, C replaced by G.
Protein change: p.Asn260Lys; replaces asparagine 260 with lysine.
Molecular consequence: missense variant. On other transcripts: intron variant (6).
Genome position (GRCh38, 1-based): chr2:50,925,948, G>C on the plus strand (C>G on the coding strand, the complement: NRXN1 is on the minus strand). VCF-style: chr2-50925948-G-C. GRCh37 (hg19) VCF-style: chr2-51153086-G-C.
Other names: c.879C>G, p.Asn293Lys (NM_001135659.3); c.780C>G, p.Asn260Lys (NM_001330077.2, NM_001330081.2, NM_001330082.2 and 6 more transcripts); c.777C>G, p.Asn259Lys (NM_001330079.2, NM_001330093.2); c.772+101554C>G (NM_001330096.2, NM_001330087.2, NM_001330083.2 and 1 more transcripts); c.773-3261C>G (NM_001330088.2, NM_001330089.2); short protein forms N259K, N260K, N293K.
Identifiers: ClinVar variation 1025665 (VCV001025665.10), dbSNP rs1686805430, ClinGen allele CA346822916.

ClinVar aggregate classification (germline): Uncertain significance (1 of 4 stars; one submission).

Conditions:
Pitt-Hopkins-like syndrome 2 (PTHSL2). Identifiers: Orphanet 221150, Orphanet 600663, MedGen C3280479, MONDO:0013690, OMIM 614325.

gnomAD v4.1: 3 of 1,574,378 alleles (0.00019%); highest among the groups gnomAD compares: Non-Finnish European, 0.00026%; no homozygotes.

Submission:

Labcorp Genetics (formerly Invitae), Labcorp
Classification: Uncertain significance for Pitt-Hopkins-like syndrome 2. Last evaluated: 2022-03-19. Review status: criteria provided, single submitter. Criteria: Invitae Variant Classification Sherloc (09022015). Collection method: clinical testing. Allele origin: germline.
Comment: This variant is not present in population databases (gnomAD no frequency). In summary, the available evidence is currently insufficient to determine the role of this variant in disease. Therefore, it has been classified as a Variant of Uncertain Significance. Algorithms developed to predict the effect of missense changes on protein structure and function are either unavailable or do not agree on the potential impact of this missense change (SIFT: "Deleterious"; PolyPhen-2: "Benign"; Align-GVGD: "Class C0"). ClinVar contains an entry for this variant (Variation ID: 1025665). This variant has not been reported in the literature in individuals affected with NRXN1-related conditions. This sequence change replaces asparagine, which is neutral and polar, with lysine, which is basic and polar, at codon 293 of the NRXN1 protein (p.Asn293Lys).